The following is an entry in ClinVar:

ClinVar aggregate classification (germline): Uncertain significance. Review status: criteria provided, multiple submitters, no conflicts (2 of 4 stars). 2 submissions from 2 submitters: Uncertain significance (2). Last evaluated 2026-07-11.

Conditions:
UCP3-related disorder. Also called: UCP3-related condition.

Allele frequency attached by ClinVar (database versions not stated): gnomAD 0.00001; TOPMed 0.00003; ExAC 0.00005; 1000 Genomes Project 30x 0.00016; 1000 Genomes Project 0.00020.
gnomAD v4.1: 25 of 1,614,166 alleles (0.0015%); highest among the groups gnomAD compares: Non-Finnish European, 0.0019%; no homozygotes.

Submissions (2):

PreventionGenetics, part of Exact Sciences
Classification: Uncertain significance for UCP3-related condition. Last evaluated: 2026-07-11. Review status: criteria provided, single submitter. Criteria: ACMG Guidelines, 2015. Collection method: clinical testing. Allele origin: germline.
Comment: The UCP3 c.718G>A variant is predicted to result in the amino acid substitution p.Val240Met. To our knowledge, this variant has not been reported in the literature. This variant is reported in 0.0062% of alleles in individuals of African descent in gnomAD. At this time, the clinical significance of this variant is uncertain due to the absence of conclusive functional and genetic evidence.

Labcorp Genetics (formerly Invitae), Labcorp
Classification: Uncertain significance. Last evaluated: 2024-01-26. Review status: criteria provided, single submitter. Criteria: Invitae Variant Classification Sherloc (09022015). Collection method: clinical testing. Allele origin: germline.
Comment: This sequence change replaces valine, which is neutral and non-polar, with methionine, which is neutral and non-polar, at codon 240 of the UCP3 protein (p.Val240Met). This variant is present in population databases (rs138705669, gnomAD 0.004%). This variant has not been reported in the literature in individuals affected with UCP3-related conditions. Advanced modeling of protein sequence and biophysical properties (such as structural, functional, and spatial information, amino acid conservation, physicochemical variation, residue mobility, and thermodynamic stability) has been performed at Invitae for this missense variant, however the output from this modeling did not meet the statistical confidence thresholds required to predict the impact of this variant on UCP3 protein function. In summary, the available evidence is currently insufficient to determine the role of this variant in disease. Therefore, it has been classified as a Variant of Uncertain Significance.

NM_003356.4(UCP3):c.718G>A (p.Val240Met)

Gene: UCP3 (uncoupling protein 3; minus strand). Cytogenetic location: 11q13.4.
Variant type: single nucleotide variant.
Coding change: c.718G>A on transcript NM_003356.4 (MANE Select); coding-DNA position 718, G replaced by A.
Protein change: p.Val240Met; replaces valine 240 with methionine.
Molecular consequence: missense variant.
Genome position (GRCh38, 1-based): chr11:74,003,933, C>T on the plus strand (G>A on the coding strand, the complement: UCP3 is on the minus strand). VCF-style: chr11-74003933-C-T. GRCh37 (hg19) VCF-style: chr11-73714978-C-T.
Other names: c.718G>A (NM_003356.3); c.718G>A, p.Val240Met (NM_022803.3); short protein forms V240M.
Identifiers: ClinVar variation 2968646 (VCV002968646.5), dbSNP rs138705669, ClinGen allele CA6181382.